The following is an entry in ClinVar:

ClinVar aggregate classification (germline): Uncertain significance. Review status: criteria provided, multiple submitters, no conflicts (2 of 4 stars). 4 submissions from 4 submitters: Uncertain significance (4). Last evaluated 2025-12-30.

Conditions:
Inborn genetic diseases. Identifiers: MedGen C0950123, MeSH D030342.

Allele frequency attached by ClinVar (database versions not stated): TOPMed 0.00007; ESP Exome Variant Server 0.00008; gnomAD 0.00008 and 0.00010; ExAC 0.00009; gnomAD exomes 0.00009 and 0.00010.
gnomAD v4.1: 142 of 1,611,236 alleles (0.0088%); highest among the groups gnomAD compares: Middle Eastern, 0.066%; no homozygotes.

Submissions (4):

Labcorp Genetics (formerly Invitae), Labcorp
Classification: Uncertain significance. Last evaluated: 2025-12-30. Review status: criteria provided, single submitter. Criteria: Invitae Variant Classification Sherloc (09022015). Collection method: clinical testing. Allele origin: germline.
Comment: This sequence change replaces aspartic acid, which is acidic and polar, with glutamic acid, which is acidic and polar, at codon 525 of the TFRC protein (p.Asp525Glu). This variant is present in population databases (rs149825223, gnomAD 0.02%). This variant has not been reported in the literature in individuals affected with TFRC-related conditions. ClinVar contains an entry for this variant (Variation ID: 1445511). Invitae Evidence Modeling of protein sequence and biophysical properties (such as structural, functional, and spatial information, amino acid conservation, physicochemical variation, residue mobility, and thermodynamic stability) indicates that this missense variant is not expected to disrupt TFRC protein function with a negative predictive value of 80%. In summary, the available evidence is currently insufficient to determine the role of this variant in disease. Therefore, it has been classified as a Variant of Uncertain Significance.

CeGaT Center for Human Genetics Tuebingen
Classification: Uncertain significance. Last evaluated: 2025-12-01. Review status: criteria provided, single submitter. Criteria: CeGaT Center For Human Genetics Tuebingen Variant Classification Criteria Version 2. Collection method: clinical testing. Allele origin: germline. Affected: yes. Observed: 1 variant allele.
Comment: TFRC: PM2, BP4

Blueprint Genetics
Classification: Uncertain significance. Last evaluated: 2024-10-11. Review status: criteria provided, single submitter. Criteria: ACMG Guidelines, 2015. Collection method: clinical testing. Allele origin: germline.

Ambry Genetics
Classification: Uncertain significance for Inborn genetic diseases. Last evaluated: 2024-01-19. Review status: criteria provided, single submitter. Criteria: Ambry Variant Classification Scheme 2023. Collection method: clinical testing. Allele origin: germline.

NM_001128148.3(TFRC):c.1575C>G (p.Asp525Glu)

Gene: TFRC (transferrin receptor; minus strand). Cytogenetic location: 3q29.
Variant type: single nucleotide variant.
Coding change: c.1575C>G on transcript NM_001128148.3 (MANE Select); coding-DNA position 1575, C replaced by G.
Protein change: p.Asp525Glu; replaces aspartic acid 525 with glutamic acid.
Molecular consequence: missense variant.
Genome position (GRCh38, 1-based): chr3:196,058,594, G>C on the plus strand (C>G on the coding strand, the complement: TFRC is on the minus strand). VCF-style: chr3-196058594-G-C. GRCh37 (hg19) VCF-style: chr3-195785465-G-C.
Other names: c.1332C>G, p.Asp444Glu (NM_001313965.2); c.729C>G, p.Asp243Glu (NM_001313966.2); c.1575C>G, p.Asp525Glu (NM_003234.4); c.1575C>G (NM_003234.2); short protein forms D243E, D444E, D525E.
Identifiers: ClinVar variation 1445511 (VCV001445511.15), dbSNP rs149825223, ClinGen allele CA2777863.